The following is an entry in ClinVar:

ClinVar aggregate classification (germline): Conflicting classifications of pathogenicity. Review status: criteria provided, conflicting classifications (1 of 4 stars). 3 submissions from 3 submitters: Likely pathogenic (2); Uncertain significance (1). Last evaluated 2025-10-23.

Conditions:
Marfan syndrome (MFS). Also called: Marfan syndrome type 1; Marfan's syndrome; FBN1-Related Marfan Syndrome; MARFAN SYNDROME, TYPE I; Marfan syndrome, classic. Identifiers: Orphanet 284963, Orphanet 558, MedGen C0024796, MONDO:0007947, OMIM 154700.
Familial thoracic aortic aneurysm and aortic dissection (TAAD). Also called: Thoracic aortic aneurysms and dissections. Identifiers: Orphanet 91387, MedGen C4707243, MONDO:0019625.

Submissions (3):

GeneDx
Classification: Likely pathogenic. Last evaluated: 2025-10-23. Review status: criteria provided, single submitter. Criteria: GeneDx Variant Classification Process June 2021. Collection method: clinical testing. Allele origin: germline. Affected: yes.
Comment: Has not been previously published as pathogenic or benign in association with an FBN1-related disorder to our knowledge; Not observed at significant frequency in large population cohorts (gnomAD); Canonical splice site variant demonstrated to result in aberrant splicing resulting in a null allele in a gene for which loss of function is a known mechanism of disease (PMID: 32123317); In silico analysis supports a deleterious effect on splicing; This variant is associated with the following publications: (PMID: 32123317, 34663891)

Labcorp Genetics (formerly Invitae), Labcorp
Classification: Uncertain significance for Marfan syndrome; Familial thoracic aortic aneurysm and aortic dissection. Last evaluated: 2021-10-28. Review status: criteria provided, single submitter. Criteria: Invitae Variant Classification Sherloc (09022015). Collection method: clinical testing. Allele origin: germline.
Comment: This sequence change falls in intron 3 of the FBN1 gene. It does not directly change the encoded amino acid sequence of the FBN1 protein. RNA analysis indicates that this variant induces altered splicing and may result in an absent or disrupted protein product. This variant is not present in population databases (gnomAD no frequency). This variant has been observed in individual(s) with Marfan syndrome (Invitae). Studies have shown that this variant results in altered splicing and introduces a premature termination codon (PMID: 32123317). The resulting mRNA is expected to undergo nonsense-mediated decay. In summary, the available evidence is currently insufficient to determine the role of this variant in disease. Therefore, it has been classified as a Variant of Uncertain Significance.

Department of Medical Genetics, Sanjay Gandhi Post Graduate Institute of Medical Sciences
Classification: Likely pathogenic for Marfan syndrome. Review status: criteria provided, single submitter. Criteria: ACMG Guidelines, 2015. Collection method: research. Allele origin: inherited. Inheritance: Autosomal dominant inheritance. Affected: yes. Observed: 1 heterozygote.
Comment: The variant c.247+9A>G is located in intron 3 of the FBN1 gene. This variant does not alter the FBN1 protein’s amino acid sequence. However, RNA analysis shows, this variant alters splicing and introduces a premature termination codon (PMID: 32123317). The resulting mRNA is likely degraded by nonsense-mediated decay. In-silico analysis predicts a deleterious effect. This variant is reported in individuals with Marfan syndrome and is absent from population databases (gnomAD).

Literature cited by the submitters: PubMed 32123317 (cited by Labcorp Genetics (formerly Invitae), Labcorp).

NM_000138.5(FBN1):c.247+9A>G

Gene: FBN1 (fibrillin 1; minus strand). Cytogenetic location: 15q21.1.
Variant type: single nucleotide variant.
Coding change: c.247+9A>G on transcript NM_000138.5 (MANE Select); 9 bases into the intron after coding-DNA position 247, A replaced by G.
Molecular consequence: intron variant.
Genome position (GRCh38, 1-based): chr15:48,613,001, T>C on the plus strand (A>G on the coding strand, the complement: FBN1 is on the minus strand). VCF-style: chr15-48613001-T-C. GRCh37 (hg19) VCF-style: chr15-48905198-T-C.
Identifiers: ClinVar variation 1371445 (VCV001371445.9), dbSNP rs1298547542, ClinGen allele CA2573050652.